The following is an entry in ClinVar:

NC_000017.10:g.(36061183_36064923)_(36065057_36070510)dup

Gene: HNF1B (HNF1 homeobox B; minus strand). Cytogenetic location: 17q12.
Variant type: Duplication.
Identifiers: ClinVar variation 4853156 (VCV004853156.1).

ClinVar aggregate classification (germline): Likely pathogenic (1 of 4 stars; one submission).

Conditions:
Maturity-onset diabetes of the young (MODY). Also called: Maturity onset diabetes mellitus in young. Identifiers: Orphanet 552, MedGen C0342276, MONDO:0018911, HP:0004904.

Submission:

Women's Health and Genetics/Laboratory Corporation of America, LabCorp
Classification: Likely pathogenic for Maturity-onset diabetes of the young. Last evaluated: 2026-05-13. Review status: criteria provided, single submitter. Criteria: LabCorp Variant Classification Summary - May 2015. Collection method: clinical testing. Allele origin: germline.
Comment: Variant summary: The variant involves the duplication of exon 6 in the HNF1B gene. A presumed nomenclature of c.(1206+1_1207-1)_(1339+1_1340-1)dup has been designated for the purposes of this classification. It is assumed to be a tandem duplication in direct orientation (PMIDs: 25640679, 30054569). This Copy Number Variant (CNV) is expected to alter the reading frame and predicted to result in a truncation or absence of the encoded protein due to nonsense mediated decay (NMD). Loss-of-function variants in this gene are known to be pathogenic. The variant was absent in 120780 control chromosomes in the gnomAD database (Structural Variants v4.1 dataset). To our knowledge, no occurrence of c.(1206+1_1207-1)_(1339+1_1340-1)dup in individuals affected with HNF1B-related conditions and no experimental evidence demonstrating its impact on protein function have been reported. No submitters have cited clinical-significance assessments for this variant to ClinVar. Based on the evidence outlined above, the variant was classified as likely pathogenic.